The following is an entry in ClinVar:

ClinVar aggregate classification (germline): Uncertain significance (1 of 4 stars; one submission).

Submission:

Dasa
Classification: Uncertain significance. Last evaluated: 2024-12-09. Review status: criteria provided, single submitter. Criteria: DASA Assertion Criteria. Collection method: clinical testing. Allele origin: germline.
Comment: NM_001287750.2(FDFT1):c.215_221delinsC (p.His72_His74delinsPro) is an in-frame insertion/deletion-insertion predicted to alter the protein sequence without shifting the reading frame. This variant has been observed in affected individuals with FDFT1-related disorders. Also, this variant is absent from population databases. The currently available literature and clinical evidence are not sufficient to establish a definitive association between this variant and the reported condition. Therefore, this variant is classified as a variant of uncertain significance.

NM_004462.5(FDFT1):c.100-62_100-56delinsC

Gene: FDFT1 (farnesyl-diphosphate farnesyltransferase 1). Cytogenetic location: 8p23.1.
Variant type: Indel.
Coding change: c.100-62_100-56delinsC on transcript NM_004462.5 (MANE Select); 62 bases into the intron before coding-DNA position 100 through 56 bases into the intron before coding-DNA position 100, the reference bases replaced by C.
Molecular consequence: intron variant. On other transcripts: inframe indel (1).
Genome position: GRCh38 VCF-style: chr8-11808732-ACTCCCA-C. GRCh37 (hg19) VCF-style: chr8-11666241-ACTCCCA-C.
Other names: c.215_221delinsC, p.His72_His74delinsPro (NM_001287750.2); c.100-62_100-56delinsC (NM_001287742.2, NM_001287743.2); c.-93-62_-93-56delinsC (NM_001287744.2, NM_001287745.2, NM_001287747.2 and 2 more transcripts); c.64+5822_64+5828delinsC (NM_001287756.2).
Identifiers: ClinVar variation 4886350 (VCV004886350.2).